The following is an entry in ClinVar:

NM_173483.4(CYP4F22):c.251A>T (p.Asp84Val)

Gene: CYP4F22 (cytochrome P450 family 4 subfamily F member 22; plus strand). Cytogenetic location: 19p13.12.
Variant type: single nucleotide variant.
Coding change: c.251A>T on transcript NM_173483.4 (MANE Select); coding-DNA position 251, A replaced by T.
Protein change: p.Asp84Val; replaces aspartic acid 84 with valine.
Molecular consequence: missense variant.
Genome position (GRCh38, 1-based): chr19:15,529,737, A>T. VCF-style: chr19-15529737-A-T. GRCh37 (hg19) VCF-style: chr19-15640548-A-T.
Other names: short protein forms D84V.
Identifiers: ClinVar variation 2005456 (VCV002005456.4), dbSNP rs1317291123, ClinGen allele CA404526814.

ClinVar aggregate classification (germline): Uncertain significance (1 of 4 stars; one submission).

Allele frequency attached by ClinVar (database versions not stated): gnomAD exomes below 0.00001.
gnomAD v4.1: 1 of 1,614,076 alleles (0.000062%); highest among the groups gnomAD compares: Admixed American, 0.0017%; no homozygotes.

Submission:

Labcorp Genetics (formerly Invitae), Labcorp
Classification: Uncertain significance. Last evaluated: 2024-05-22. Review status: criteria provided, single submitter. Criteria: Invitae Variant Classification Sherloc (09022015). Collection method: clinical testing. Allele origin: germline.
Comment: This sequence change replaces aspartic acid, which is acidic and polar, with valine, which is neutral and non-polar, at codon 84 of the CYP4F22 protein (p.Asp84Val). This variant is present in population databases (no rsID available, gnomAD 0.003%). This variant has not been reported in the literature in individuals affected with CYP4F22-related conditions. ClinVar contains an entry for this variant (Variation ID: 2005456). Advanced modeling of protein sequence and biophysical properties (such as structural, functional, and spatial information, amino acid conservation, physicochemical variation, residue mobility, and thermodynamic stability) performed at Invitae indicates that this missense variant is not expected to disrupt CYP4F22 protein function with a negative predictive value of 95%. In summary, the available evidence is currently insufficient to determine the role of this variant in disease. Therefore, it has been classified as a Variant of Uncertain Significance.